The following is an entry in ClinVar:

ClinVar aggregate classification (germline): Uncertain significance (1 of 4 stars; one submission).

gnomAD v4.1: 1 of 1,614,232 alleles (0.000062%); highest among the groups gnomAD compares: Non-Finnish European, 0.000085%; no homozygotes.

Submission:

Labcorp Genetics (formerly Invitae), Labcorp
Classification: Uncertain significance. Last evaluated: 2024-07-19. Review status: criteria provided, single submitter. Criteria: Invitae Variant Classification Sherloc (09022015). Collection method: clinical testing. Allele origin: germline.
Comment: This sequence change replaces lysine, which is basic and polar, with threonine, which is neutral and polar, at codon 629 of the C1S protein (p.Lys629Thr). This variant is not present in population databases (gnomAD no frequency). This variant has not been reported in the literature in individuals affected with C1S-related conditions. Advanced modeling of protein sequence and biophysical properties (such as structural, functional, and spatial information, amino acid conservation, physicochemical variation, residue mobility, and thermodynamic stability) performed at Invitae indicates that this missense variant is not expected to disrupt C1S protein function with a negative predictive value of 80%. In summary, the available evidence is currently insufficient to determine the role of this variant in disease. Therefore, it has been classified as a Variant of Uncertain Significance.

NM_001734.5(C1S):c.1886A>C (p.Lys629Thr)

Gene: C1S (complement C1s; plus strand). Cytogenetic location: 12p13.31.
Variant type: single nucleotide variant.
Coding change: c.1886A>C on transcript NM_001734.5 (MANE Select); coding-DNA position 1886, A replaced by C.
Protein change: p.Lys629Thr; replaces lysine 629 with threonine.
Molecular consequence: missense variant.
Genome position (GRCh38, 1-based): chr12:7,070,470, A>C. VCF-style: chr12-7070470-A-C. GRCh37 (hg19) VCF-style: chr12-7177774-A-C.
Other names: c.1385A>C, p.Lys462Thr (NM_001346850.2); c.1886A>C, p.Lys629Thr (NM_201442.4); short protein forms K629T, K462T.
Identifiers: ClinVar variation 3693397 (VCV003693397.2).